The following is an entry in ClinVar:

NM_000038.6(APC):c.4724T>C (p.Leu1575Pro)

Gene: APC (APC regulator of Wnt signaling pathway; plus strand). Cytogenetic location: 5q22.2.
Variant type: single nucleotide variant.
Coding change: c.4724T>C on transcript NM_000038.6 (MANE Select); coding-DNA position 4724, T replaced by C.
Protein change: p.Leu1575Pro; replaces leucine 1575 with proline.
Molecular consequence: missense variant.
Genome position (GRCh38, 1-based): chr5:112,840,318, T>C. VCF-style: chr5-112840318-T-C. GRCh37 (hg19) VCF-style: chr5-112176015-T-C.
Other names: c.4724T>C, p.Leu1575Pro (NM_001127510.3, NM_001354895.2); c.4670T>C, p.Leu1557Pro (NM_001127511.3); c.4778T>C, p.Leu1593Pro (NM_001354896.2); c.4754T>C, p.Leu1585Pro (NM_001354897.2); c.4649T>C, p.Leu1550Pro (NM_001354898.2); c.4640T>C, p.Leu1547Pro (NM_001354899.2); c.4601T>C, p.Leu1534Pro (NM_001354900.2); c.4547T>C, p.Leu1516Pro (NM_001354901.2); and 5 more; short protein forms L1449P, L1484P, L1585P, L1292P, L1474P, L1516P, L1557P, L1415P.
Identifiers: ClinVar variation 953402 (VCV000953402.13), dbSNP rs1765751495, ClinGen allele CA16031692.
Genomic context (GRCh38, chr5:112,840,318, plus strand): 5'-AAACTATTGATTCTGAAAAGGACCTATTAGATGATTCAGATGATGATGATATTGAAATAC[T>C]AGAAGAATGTATTATTTCTGCCATGCCAACAAAGTCATCACGTAAAGCAAAAAAGCCAGC-3'
Protein context (NP_000029.2, residues 1565-1585): DDSDDDDIEI[Leu1575Pro]EECIISAMPT

ClinVar aggregate classification (germline): Uncertain significance. Review status: criteria provided, multiple submitters, no conflicts (2 of 4 stars). 3 submissions from 3 submitters: Uncertain significance (3). Last evaluated 2026-03-02.

Conditions:
Hereditary cancer-predisposing syndrome. Also called: Tumor predisposition; Hereditary neoplastic syndrome; Hereditary Cancer Syndrome; Neoplastic Syndromes, Hereditary. Identifiers: Orphanet 140162, MedGen C0027672, MeSH D009386, MONDO:0015356.
Familial adenomatous polyposis 1 (FAP1). Also called: FAMILIAL ADENOMATOUS POLYPOSIS 1, ATTENUATED; POLYPOSIS, ADENOMATOUS INTESTINAL. Identifiers: MedGen C2713442, MONDO:0021056, OMIM 175100. Disease mechanism: loss of function.

Submissions (3):

Ambry Genetics
Classification: Uncertain significance for Hereditary cancer-predisposing syndrome. Last evaluated: 2026-03-02. Review status: criteria provided, single submitter. Criteria: Ambry Variant Classification Scheme 2023. Collection method: clinical testing. Allele origin: germline.
Comment: The p.L1575P variant (also known as c.4724T>C), located in coding exon 15 of the APC gene, results from a T to C substitution at nucleotide position 4724. The leucine at codon 1575 is replaced by proline, an amino acid with similar properties. This variant was reported in individual(s) with features consistent with Familial adenomatous polyposis (Ambry internal data). In addition,this variant disrupts a critical residue in an Axin-binding SAMP motif (Ambry internal data; Behrens J et al. Science. 1998 Apr;280(5363):596-9;Spink KE et al. EMBO J. 2000 May;19(10):2270-9; Minde DP et al. Mol Cancer. 2011 Aug;10:101). This amino acid position is highly conserved in available vertebrate species. In addition, in silico predictors for this gene do not accurately predict pathogenicity. Based on the available evidence, the clinical significance of this variant remains unclear.

Quest Diagnostics Nichols Institute San Juan Capistrano
Classification: Uncertain significance. Last evaluated: 2023-01-31. Review status: criteria provided, single submitter. Criteria: Quest Diagnostics criteria. Collection method: clinical testing. Allele origin: unknown.
Comment: To the best of our knowledge, the variant has not been reported in the published literature. It also has not been reported in large, multi-ethnic general populations. Analysis of this variant using bioinformatics tools for the prediction of the effect of amino acid changes on protein structure and function yielded predictions that this variant is damaging. Based on the available information, we are unable to determine the clinical significance of this variant.

Labcorp Genetics (formerly Invitae), Labcorp
Classification: Uncertain significance for Familial adenomatous polyposis 1. Last evaluated: 2022-08-26. Review status: criteria provided, single submitter. Criteria: Invitae Variant Classification Sherloc (09022015). Collection method: clinical testing. Allele origin: germline.
Comment: Algorithms developed to predict the effect of missense changes on protein structure and function (SIFT, PolyPhen-2, Align-GVGD) all suggest that this variant is likely to be disruptive. In summary, the available evidence is currently insufficient to determine the role of this variant in disease. Therefore, it has been classified as a Variant of Uncertain Significance. ClinVar contains an entry for this variant (Variation ID: 953402). This variant has not been reported in the literature in individuals affected with APC-related conditions. This variant is not present in population databases (gnomAD no frequency). This sequence change replaces leucine, which is neutral and non-polar, with proline, which is neutral and non-polar, at codon 1575 of the APC protein (p.Leu1575Pro).